The following is an entry in ClinVar:

NM_001211.6(BUB1B):c.850A>G (p.Thr284Ala)

Gene: BUB1B (BUB1 mitotic checkpoint serine/threonine kinase B; plus strand). Cytogenetic location: 15q15.1.
Variant type: single nucleotide variant.
Coding change: c.850A>G on transcript NM_001211.6 (MANE Select); coding-DNA position 850, A replaced by G.
Protein change: p.Thr284Ala; replaces threonine 284 with alanine.
Molecular consequence: missense variant.
Genome position (GRCh38, 1-based): chr15:40,185,263, A>G. VCF-style: chr15-40185263-A-G. GRCh37 (hg19) VCF-style: chr15-40477464-A-G.
Other names: short protein forms T284A.
Identifiers: ClinVar variation 1522515 (VCV001522515.10), dbSNP rs1369362790, ClinGen allele CA391684362.

ClinVar aggregate classification (germline): Uncertain significance. Review status: criteria provided, multiple submitters, no conflicts (2 of 4 stars). 2 submissions from 2 submitters: Uncertain significance (2). Last evaluated 2023-11-05.

Conditions:
Inborn genetic diseases. Identifiers: MedGen C0950123, MeSH D030342.
Mosaic variegated aneuploidy syndrome 1 (MVA1). Also called: Warburton-Anyane-Yeboa syndrome. Identifiers: Orphanet 1052, MedGen C1850343, MONDO:0009759, OMIM 257300.

Allele frequency attached by ClinVar (database versions not stated): gnomAD exomes below 0.00001.
gnomAD v4.1: 3 of 1,614,078 alleles (0.00019%); highest among the groups gnomAD compares: African/African-American, 0.0013%; no homozygotes.

Submissions (2):

Ambry Genetics
Classification: Uncertain significance for Inborn genetic diseases. Last evaluated: 2023-11-05. Review status: criteria provided, single submitter. Criteria: Ambry Variant Classification Scheme 2023. Collection method: clinical testing. Allele origin: germline.
Comment: The p.T284A variant (also known as c.850A>G), located in coding exon 7 of the BUB1B gene, results from an A to G substitution at nucleotide position 850. The threonine at codon 284 is replaced by alanine, an amino acid with similar properties. This amino acid position is conserved. In addition, this alteration is predicted to be tolerated by in silico analysis. Since supporting evidence is limited at this time, the clinical significance of this alteration remains unclear.

Labcorp Genetics (formerly Invitae), Labcorp
Classification: Uncertain significance for Mosaic variegated aneuploidy syndrome 1. Last evaluated: 2020-10-27. Review status: criteria provided, single submitter. Criteria: Invitae Variant Classification Sherloc (09022015). Collection method: clinical testing. Allele origin: germline.
Comment: Algorithms developed to predict the effect of missense changes on protein structure and function (SIFT, PolyPhen-2, Align-GVGD) all suggest that this variant is likely to be tolerated, but these predictions have not been confirmed by published functional studies and their clinical significance is uncertain. In summary, the available evidence is currently insufficient to determine the role of this variant in disease. Therefore, it has been classified as a Variant of Uncertain Significance. This variant has not been reported in the literature in individuals with BUB1B-related conditions. This variant is not present in population databases (ExAC no frequency). This sequence change replaces threonine with alanine at codon 284 of the BUB1B protein (p.Thr284Ala). The threonine residue is weakly conserved and there is a small physicochemical difference between threonine and alanine.